The following is an entry in ClinVar:

NM_001042492.3(NF1):c.1003_1006del (p.Asn335fs)

Gene: NF1 (neurofibromin 1; plus strand). Cytogenetic location: 17q11.2.
Variant type: Deletion.
Coding change: c.1003_1006del on transcript NM_001042492.3 (MANE Select); coding-DNA positions 1003 to 1006, 4 bases deleted (AATT; older notation c.1003_1006delAATT).
Protein change: p.Asn335fs; shifts the reading frame from asparagine 335.
Molecular consequence: frameshift variant.
Genome position (GRCh38, 1-based): chr17:31,200,536-31,200,539, AATT deleted. VCF-style (leftmost placement, unchanged base first): chr17-31200535-CAATT-C. GRCh37 (hg19) VCF-style: chr17-29527553-CAATT-C.
Other names: c.1003_1006delAATT, p.Asn335Glyfs (NM_000267.4); c.1003_1006del, p.Asn335fs (NM_001128147.3); short protein forms N335fs.
Identifiers: ClinVar variation 1399321 (VCV001399321.6), dbSNP rs2143873710, ClinGen allele CA2573153526.

ClinVar aggregate classification (germline): Pathogenic (1 of 4 stars; one submission).

Conditions:
Neurofibromatosis, type 1 (NF1). Also called: NEUROFIBROMATOSIS, TYPE I, SOMATIC; Peripheral type neurofibromatosis; Neurofibromatosis, type I; VON RECKLINGHAUSEN DISEASE. Identifiers: Orphanet 636, MedGen C0027831, MONDO:0018975, OMIM 162200. Disease mechanism: loss of function.

Submission:

Labcorp Genetics (formerly Invitae), Labcorp
Classification: Pathogenic for Neurofibromatosis, type 1. Last evaluated: 2021-08-03. Review status: criteria provided, single submitter. Criteria: Invitae Variant Classification Sherloc (09022015). Collection method: clinical testing. Allele origin: germline.
Comment: This sequence change creates a premature translational stop signal (p.Asn335Glyfs*40) in the NF1 gene. It is expected to result in an absent or disrupted protein product. Loss-of-function variants in NF1 are known to be pathogenic (PMID: 10712197, 23913538). This variant is not present in population databases (ExAC no frequency). This variant has not been reported in the literature in individuals affected with NF1-related conditions. For these reasons, this variant has been classified as Pathogenic.

Literature cited by the submitters: PubMed 10712197; PubMed 23913538.